The following is an entry in ClinVar:

ClinVar aggregate classification (germline): Uncertain significance (1 of 4 stars; one submission).

Conditions:
Brugada syndrome 8 (BRGDA8). Identifiers: Orphanet 130, MedGen C2751083, MONDO:0013148, OMIM 613123.

Submission:

Labcorp Genetics (formerly Invitae), Labcorp
Classification: Uncertain significance for Brugada syndrome 8. Last evaluated: 2023-02-16. Review status: criteria provided, single submitter. Criteria: Invitae Variant Classification Sherloc (09022015). Collection method: clinical testing. Allele origin: germline.
Comment: This sequence change creates a premature translational stop signal (p.Glu566*) in the HCN4 gene. It is expected to result in an absent or disrupted protein product. However, the current clinical and genetic evidence is not sufficient to establish whether loss-of-function variants in HCN4 cause disease. This variant is not present in population databases (gnomAD no frequency). This variant has not been reported in the literature in individuals affected with HCN4-related conditions. In summary, the available evidence is currently insufficient to determine the role of this variant in disease. Therefore, it has been classified as a Variant of Uncertain Significance.

NM_005477.3(HCN4):c.1696G>T (p.Glu566Ter)

Gene: HCN4 (hyperpolarization activated cyclic nucleotide gated potassium channel 4; minus strand). Cytogenetic location: 15q24.1.
Variant type: single nucleotide variant.
Coding change: c.1696G>T on transcript NM_005477.3 (MANE Select); coding-DNA position 1696, G replaced by T.
Protein change: p.Glu566Ter; replaces glutamic acid 566 with a stop codon.
Molecular consequence: nonsense.
Genome position (GRCh38, 1-based): chr15:73,325,339, C>A on the plus strand (G>T on the coding strand, the complement: HCN4 is on the minus strand). VCF-style: chr15-73325339-C-A. GRCh37 (hg19) VCF-style: chr15-73617680-C-A.
Other names: short protein forms E566*.
Identifiers: ClinVar variation 2838087 (VCV002838087.3), dbSNP rs1480242620, ClinGen allele CA393091943.
Genomic context (GRCh38, chr15:73,325,339, plus strand): 5'-GGGCCGCCACACAGCTCACCTCCCGCAGGGGCTCGCTTAGCTCGCCCAGGATGCTCTCCT[C>A]GTCGAACATCTTGCCCTGGTAGCGGTGCTCGTAGTAGTCGTGGATGCGCTGCCGGGTGTC-3'